The following is an entry in ClinVar:

NM_033641.4(COL4A6):c.1147C>T (p.Pro383Ser)

Gene: COL4A6 (collagen type IV alpha 6 chain; minus strand). Cytogenetic location: Xq22.3.
Variant type: single nucleotide variant.
Coding change: c.1147C>T on transcript NM_033641.4 (MANE Select); coding-DNA position 1147, C replaced by T.
Protein change: p.Pro383Ser; replaces proline 383 with serine.
Molecular consequence: missense variant.
Genome position (GRCh38, 1-based): chrX:108,192,506, G>A on the plus strand (C>T on the coding strand, the complement: COL4A6 is on the minus strand). VCF-style: chrX-108192506-G-A. GRCh37 (hg19) VCF-style: chrX-107435736-G-A.
Other names: c.1147C>T, p.Pro383Ser (NM_001287758.2, NM_001287759.2, NM_001287760.2); c.1150C>T, p.Pro384Ser (NM_001847.4); short protein forms P383S, P384S.
Identifiers: ClinVar variation 2628765 (VCV002628765.1), dbSNP rs2035080047, ClinGen allele CA413861574.

ClinVar aggregate classification (germline): Uncertain significance (1 of 4 stars; one submission).

Conditions:
COL4A6-related disorder. Also called: COL4A6-related condition.

Allele frequency attached by ClinVar (database versions not stated): gnomAD 0.00001.
gnomAD v4.1: 3 of 1,207,690 alleles (0.00025%); highest among the groups gnomAD compares: African/African-American, 0.0017%; no homozygotes.

Submission:

PreventionGenetics, part of Exact Sciences
Classification: Uncertain significance for COL4A6-related condition. Last evaluated: 2023-02-03. Review status: criteria provided, single submitter. Criteria: ACMG Guidelines, 2015. Collection method: clinical testing. Allele origin: germline.
Comment: The COL4A6 c.1150C>T variant is predicted to result in the amino acid substitution p.Pro384Ser. To our knowledge, this variant has not been reported in the literature or in a large population database, indicating this variant is rare. At this time, the clinical significance of this variant is uncertain due to the absence of conclusive functional and genetic evidence.